The following is an entry in ClinVar:

NM_001613.4(ACTA2):c.550G>A (p.Gly184Ser)

Gene: ACTA2 (actin alpha 2, smooth muscle; minus strand). Cytogenetic location: 10q23.31.
Variant type: single nucleotide variant.
Coding change: c.550G>A on transcript NM_001613.4 (MANE Select); coding-DNA position 550, G replaced by A.
Protein change: p.Gly184Ser; replaces glycine 184 with serine.
Molecular consequence: missense variant.
Genome position (GRCh38, 1-based): chr10:88,941,295, C>T on the plus strand (G>A on the coding strand, the complement: ACTA2 is on the minus strand). VCF-style: chr10-88941295-C-T. GRCh37 (hg19) VCF-style: chr10-90701052-C-T.
Other names: c.550G>A, p.Gly184Ser (NM_001141945.3, NM_001320855.2, NM_001406462.1 and 3 more transcripts); c.439G>A, p.Gly147Ser (NM_001406466.1); c.421G>A, p.Gly141Ser (NM_001406467.1, NM_001406468.1, NM_001406469.1); short protein forms G184S, G147S, G141S.
Identifiers: ClinVar variation 4908645 (VCV004908645.2).
Genomic context (GRCh38, chr10:88,941,295, plus strand): 5'-TAACGAAGGAATAGCCACGCTCAGTCAGGATCTTCATGAGGTAGTCAGTGAGATCTCGGC[C>T]AGCCAGATCCAGACGCATGATGGCATGGGGCAAGGCATAGCCCTCATAGATGGGGACATT-3'
Protein context (NP_001604.1, residues 174-194): PHAIMRLDLA[Gly184Ser]RDLTDYLMKI

ClinVar aggregate classification (germline): Uncertain significance. Review status: criteria provided, multiple submitters, no conflicts (2 of 4 stars). 2 submissions from 2 submitters: Uncertain significance (2). Last evaluated 2026-08-25.

Conditions:
Familial thoracic aortic aneurysm and aortic dissection (TAAD). Also called: Thoracic aortic aneurysms and dissections. Identifiers: Orphanet 91387, MedGen C4707243, MONDO:0019625.

Submissions (2):

Ambry Genetics
Classification: Uncertain significance for Familial thoracic aortic aneurysm and aortic dissection. Last evaluated: 2026-08-25. Review status: criteria provided, single submitter. Criteria: Ambry Variant Classification Scheme 2023. Collection method: clinical testing. Allele origin: germline.
Comment: The p.G184S variant (also known as c.550G>A), located in coding exon 5 of the ACTA2 gene, results from a G to A substitution at nucleotide position 550. The glycine at codon 184 is replaced by serine, an amino acid with similar properties. This amino acid position is highly conserved in available vertebrate species. In addition, this alteration is predicted to be deleterious by in silico analysis. Based on the available evidence, the clinical significance of this variant remains unclear.

Blueprint Genetics
Classification: Uncertain significance. Last evaluated: 2022-09-06. Review status: criteria provided, single submitter. Criteria: ACMG Guidelines, 2015. Collection method: clinical testing. Allele origin: germline.